The following is an entry in ClinVar:

NM_006584.4(CCT6B):c.636G>A (p.Leu212=)

Gene: CCT6B (chaperonin containing TCP1 subunit 6B; minus strand). Cytogenetic location: 17q12.
Variant type: single nucleotide variant.
Coding change: c.636G>A on transcript NM_006584.4 (MANE Select); coding-DNA position 636, G replaced by A.
Protein change: p.Leu212=; no amino-acid change (leucine 212 retained).
Molecular consequence: synonymous variant. On other transcripts: intron variant (1).
Genome position (GRCh38, 1-based): chr17:34,942,885, C>T on the plus strand (G>A on the coding strand, the complement: CCT6B is on the minus strand). VCF-style: chr17-34942885-C-T. GRCh37 (hg19) VCF-style: chr17-33269904-C-T.
Other names: c.501G>A, p.Leu167= (NM_001193530.2); c.615-242G>A (NM_001193529.3).
Identifiers: ClinVar variation 3250571 (VCV003250571.18), dbSNP rs149906430.

ClinVar aggregate classification (germline): Likely benign (1 of 4 stars; one submission).

Allele frequency attached by ClinVar (database versions not stated): 1000 Genomes Project 30x 0.00016; TOPMed 0.00061; ESP Exome Variant Server 0.00062; gnomAD 0.00068; gnomAD exomes 0.00083; ExAC 0.00126.
gnomAD v4.1: 1,289 of 1,602,808 alleles (0.08%); highest among the groups gnomAD compares: South Asian, 0.29%; 6 homozygotes.

Submission:

CeGaT Center for Human Genetics Tuebingen
Classification: Likely benign. Last evaluated: 2024-06-01. Review status: criteria provided, single submitter. Criteria: CeGaT Center For Human Genetics Tuebingen Variant Classification Criteria Version 2. Collection method: clinical testing. Allele origin: germline. Affected: yes. Observed: 1 variant allele.
Comment: CCT6B: BP4, BP7